The following is an entry in ClinVar:

ClinVar aggregate classification (germline): Conflicting classifications of pathogenicity. Review status: criteria provided, conflicting classifications (1 of 4 stars). 3 submissions from 3 submitters: Uncertain significance (1); Likely benign (2). Last evaluated 2026-03-26.

Conditions:
Primary ciliary dyskinesia. Also called: Ciliary dyskinesia. Identifiers: Orphanet 244, MedGen C0008780, MONDO:0016575, HP:0012265.
RPGR-related disorder. Also called: RPGR-related condition.

Submissions (3):

PreventionGenetics, part of Exact Sciences
Classification: Likely benign for RPGR-related condition. Last evaluated: 2026-03-26. Review status: criteria provided, single submitter. Criteria: ACMG Guidelines, 2015. Collection method: clinical testing. Allele origin: germline.
Comment: This variant is classified as likely benign based on ACMG/AMP sequence variant interpretation guidelines (Richards et al. 2015 PMID: 25741868, with internal and published modifications).

Labcorp Genetics (formerly Invitae), Labcorp
Classification: Uncertain significance for Primary ciliary dyskinesia. Last evaluated: 2026-01-12. Review status: criteria provided, single submitter. Criteria: Invitae Variant Classification Sherloc (09022015). Collection method: clinical testing. Allele origin: germline.
Comment: This variant, c.2694_2720del, results in the deletion of 9 amino acid(s) of the RPGR (ORF15) protein (p.Glu899_Glu907del), but otherwise preserves the integrity of the reading frame. The frequency data for this variant in the population databases is considered unreliable, as metrics indicate poor data quality at this position in the gnomAD database. This variant has not been reported in the literature in individuals affected with RPGR (ORF15)-related conditions. Experimental studies and prediction algorithms are not available or were not evaluated, and the functional significance of this variant is currently unknown. In summary, the available evidence is currently insufficient to determine the role of this variant in disease. Therefore, it has been classified as a Variant of Uncertain Significance.

Blueprint Genetics
Classification: Likely benign. Last evaluated: 2024-04-21. Review status: criteria provided, single submitter. Criteria: ACMG Guidelines, 2015. Collection method: clinical testing. Allele origin: germline.

NM_001034853.2(RPGR):c.2667GGAAGGAGAAGGGGAGGGAGAAGAGGA[1] (p.890EGEGEGEEE[1])

Gene: RPGR (retinitis pigmentosa GTPase regulator; minus strand). Cytogenetic location: Xp11.4.
Variant type: Microsatellite.
Coding change: c.2667GGAAGGAGAAGGGGAGGGAGAAGAGGA[1] on transcript NM_001034853.2 (MANE Select); one copy of the 27-base unit GGAAGGAGAAGGGGAGGGAGAAGAGGA starting at c.2667; the reference has two copies in a row; one copy, 27 bases deleted.
Protein change: p.890EGEGEGEEE[1].
Molecular consequence: inframe deletion. On other transcripts: intron variant (8).
Genome position (GRCh38, 1-based): chrX:38,286,279-38,286,305, TCCTCTTCTCCCTCCCCTTCTCCTTCC deleted on the plus strand (GGAAGGAGAAGGGGAGGGAGAAGAGGA on the coding strand, the reverse complement: RPGR is on the minus strand); deleting any 27 consecutive bases within chrX:38,286,279-38,286,334 gives the same sequence; the position shown is the placement nearest the transcript's 3' end. VCF-style (leftmost placement, unchanged base first): chrX-38286278-TTCCTCTTCTCCCTCCCCTTCTCCTTCC-T. GRCh37 (hg19) VCF-style: chrX-38145531-TTCCTCTTCTCCCTCCCCTTCTCCTTCC-T.
Other names: c.1569+4654_1569+4680del (NM_001367249.1, NM_001367250.1); c.1902+789_1902+815del (NM_001367245.1); c.1386+4654_1386+4680del (NM_001367251.1); c.1719+789_1719+815del (NM_001367246.1); c.1572+4654_1572+4680del (NM_001367247.1); c.1905+789_1905+815del (NM_000328.3); c.1602+4654_1602+4680del (NM_001367248.1); c.2694_2720del27 (NM_001034853.1).
Identifiers: ClinVar variation 1927642 (VCV001927642.7), dbSNP rs781514081, ClinGen allele CA10385251.